The following is an entry in ClinVar:

ClinVar aggregate classification (germline): Uncertain significance (1 of 4 stars; one submission).

Conditions:
Lethal multiple pterygium syndrome (LMPS). Identifiers: Orphanet 33108, MedGen C1854678, MONDO:0009668, OMIM 253290.

Submission:

Labcorp Genetics (formerly Invitae), Labcorp
Classification: Uncertain significance for Lethal multiple pterygium syndrome. Last evaluated: 2025-01-02. Review status: criteria provided, single submitter. Criteria: Invitae Variant Classification Sherloc (09022015). Collection method: clinical testing. Allele origin: germline.
Comment: This sequence change replaces proline, which is neutral and non-polar, with serine, which is neutral and polar, at codon 499 of the CHRND protein (p.Pro499Ser). This variant is present in population databases (no rsID available, gnomAD 0.006%). This variant has not been reported in the literature in individuals affected with CHRND-related conditions. Invitae Evidence Modeling of protein sequence and biophysical properties (such as structural, functional, and spatial information, amino acid conservation, physicochemical variation, residue mobility, and thermodynamic stability) indicates that this missense variant is not expected to disrupt CHRND protein function with a negative predictive value of 95%. In summary, the available evidence is currently insufficient to determine the role of this variant in disease. Therefore, it has been classified as a Variant of Uncertain Significance.

NM_000751.3(CHRND):c.1495C>T (p.Pro499Ser)

Gene: CHRND (cholinergic receptor nicotinic delta subunit; plus strand). Cytogenetic location: 2q37.1.
Variant type: single nucleotide variant.
Coding change: c.1495C>T on transcript NM_000751.3 (MANE Select); coding-DNA position 1495, C replaced by T.
Protein change: p.Pro499Ser; replaces proline 499 with serine.
Molecular consequence: missense variant.
Genome position (GRCh38, 1-based): chr2:232,535,253, C>T. VCF-style: chr2-232535253-C-T. GRCh37 (hg19) VCF-style: chr2-233399963-C-T.
Other names: c.1450C>T, p.Pro484Ser (NM_001256657.2); c.913C>T, p.Pro305Ser (NM_001311195.2); c.1192C>T, p.Pro398Ser (NM_001311196.2); short protein forms P499S, P305S, P398S, P484S.
Identifiers: ClinVar variation 3685835 (VCV003685835.2).
Genomic context (GRCh38, chr2:232,535,253, plus strand): 5'-CCTGTCATGGTGGTGGGCACAGCCTGGATCTTCCTGCAGGGCGTTTACAACCAGCCACCA[C>T]CCCAGCCTTTTCCTGGGGACCCCTACTCCTACAACGTGCAGGACAAGCGCTTCATCTAGG-3'
Protein context (NP_000742.1, residues 489-509): FLQGVYNQPP[Pro499Ser]QPFPGDPYSY